The following is an entry in ClinVar:

NM_001377.3(DYNC2H1):c.10651T>C (p.Leu3551=)

Gene: DYNC2H1 (dynein cytoplasmic 2 heavy chain 1; plus strand). Cytogenetic location: 11q22.3.
Variant type: single nucleotide variant.
Coding change: c.10651T>C on transcript NM_001377.3 (MANE Select); coding-DNA position 10651, T replaced by C.
Protein change: p.Leu3551=; no amino-acid change (leucine 3551 retained).
Molecular consequence: synonymous variant.
Genome position (GRCh38, 1-based): chr11:103,259,933, T>C. VCF-style: chr11-103259933-T-C. GRCh37 (hg19) VCF-style: chr11-103130662-T-C.
Other names: c.10672T>C, p.Leu3558= (NM_001080463.2).
Identifiers: ClinVar variation 2642330 (VCV002642330.26), dbSNP rs1865202491, ClinGen allele CA476608370.

ClinVar aggregate classification (germline): Likely benign. Review status: criteria provided, multiple submitters, no conflicts (2 of 4 stars). 2 submissions from 2 submitters: Likely benign (2). Last evaluated 2024-03-01.

Conditions:
Jeune thoracic dystrophy. Also called: Jeune syndrome; Infantile thoracic dystrophy; Thoracic pelvic phalangeal dystrophy; Jeune's syndrome; Chondroectodermal dysplasia-like syndrome; Short-rib thoracic dysplasia. Identifiers: Orphanet 474, MedGen C0265275, MONDO:0018770.

Allele frequency attached by ClinVar (database versions not stated): gnomAD 0.00001; gnomAD exomes 0.00001.
gnomAD v4.1: 5 of 1,551,080 alleles (0.00032%); highest among the groups gnomAD compares: Non-Finnish European, 0.00044%; no homozygotes.

Submissions (2):

Labcorp Genetics (formerly Invitae), Labcorp
Classification: Likely benign for Jeune thoracic dystrophy. Last evaluated: 2024-03-01. Review status: criteria provided, single submitter. Criteria: Invitae Variant Classification Sherloc (09022015). Collection method: clinical testing. Allele origin: germline.

CeGaT Center for Human Genetics Tuebingen
Classification: Likely benign. Last evaluated: 2022-10-01. Review status: criteria provided, single submitter. Criteria: CeGaT Center For Human Genetics Tuebingen Variant Classification Criteria Version 2. Collection method: clinical testing. Allele origin: germline. Affected: yes. Observed: 1 variant allele.
Comment: DYNC2H1: BP4, BP7